The following is an entry in ClinVar:

ClinVar aggregate classification (germline): Uncertain significance (1 of 4 stars; one submission).

Submission:

GeneDx
Classification: Uncertain significance. Last evaluated: 2025-05-16. Review status: criteria provided, single submitter. Criteria: GeneDx Variant Classification Process June 2021. Collection method: clinical testing. Allele origin: germline. Affected: yes.
Comment: Not observed at significant frequency in large population cohorts (gnomAD); In silico analysis suggests that this missense variant does not alter protein structure/function; Has not been previously published as pathogenic or benign to our knowledge

NM_005257.6(GATA6):c.1685A>T (p.Tyr562Phe)

Gene: GATA6 (GATA binding protein 6; plus strand). Cytogenetic location: 18q11.2.
Variant type: single nucleotide variant.
Coding change: c.1685A>T on transcript NM_005257.6 (MANE Select); coding-DNA position 1685, A replaced by T.
Protein change: p.Tyr562Phe; replaces tyrosine 562 with phenylalanine.
Molecular consequence: missense variant.
Genome position (GRCh38, 1-based): chr18:22,200,720, A>T. VCF-style: chr18-22200720-A-T. GRCh37 (hg19) VCF-style: chr18-19780683-A-T.
Other names: short protein forms Y562F.
Identifiers: ClinVar variation 4529617 (VCV004529617.1).